The following is an entry in ClinVar:

NM_006790.3(MYOT):c.352T>G (p.Ser118Ala)

Genes: MYOT (myotilin; plus strand), PKD2L2-DT (PKD2L2 divergent transcript; minus strand). Cytogenetic location: 5q31.2.
Variant type: single nucleotide variant.
Coding change: c.352T>G on transcript NM_006790.3 (MANE Select); coding-DNA position 352, T replaced by G.
Protein change: p.Ser118Ala; replaces serine 118 with alanine.
Molecular consequence: missense variant. On other transcripts: intron variant (1).
Genome position (GRCh38, 1-based): chr5:137,871,003, T>G. VCF-style: chr5-137871003-T-G. GRCh37 (hg19) VCF-style: chr5-137206692-T-G.
Other names: c.7T>G, p.Ser3Ala (NM_001300911.2); c.-197+478T>G (NM_001135940.2); short protein forms S118A, S3A.
Identifiers: ClinVar variation 4874499 (VCV004874499.2).

ClinVar aggregate classification (germline): Uncertain significance (1 of 4 stars; one submission).

Submission:

CeGaT Center for Human Genetics Tuebingen
Classification: Uncertain significance. Last evaluated: 2026-04-01. Review status: criteria provided, single submitter. Criteria: CeGaT Center For Human Genetics Tuebingen Variant Classification Criteria Version 2. Collection method: clinical testing. Allele origin: germline. Affected: yes. Observed: 1 variant allele.
Comment: MYOT: PM2, BP4